The following is an entry in ClinVar:

NM_001277115.2(DNAH11):c.11098G>C (p.Glu3700Gln)

Gene: DNAH11 (dynein axonemal heavy chain 11; plus strand). Cytogenetic location: 7p15.3.
Variant type: single nucleotide variant.
Coding change: c.11098G>C on transcript NM_001277115.2 (MANE Select); coding-DNA position 11098, G replaced by C.
Protein change: p.Glu3700Gln; replaces glutamic acid 3700 with glutamine.
Molecular consequence: missense variant.
Genome position (GRCh38, 1-based): chr7:21,854,351, G>C. VCF-style: chr7-21854351-G-C. GRCh37 (hg19) VCF-style: chr7-21893969-G-C.
Other names: short protein forms E3700Q.
Identifiers: ClinVar variation 1470432 (VCV001470432.5), dbSNP rs768652615, ClinGen allele CA4182618.

ClinVar aggregate classification (germline): Uncertain significance (1 of 4 stars; one submission).

Conditions:
Primary ciliary dyskinesia. Also called: Ciliary dyskinesia. Identifiers: Orphanet 244, MedGen C0008780, MONDO:0016575, HP:0012265.

Allele frequency attached by ClinVar (database versions not stated): ExAC 0.00001; gnomAD 0.00005 and 0.00006.
gnomAD v4.1: 14 of 1,613,480 alleles (0.00087%); highest among the groups gnomAD compares: Admixed American, 0.01%; no homozygotes.

Submission:

Labcorp Genetics (formerly Invitae), Labcorp
Classification: Uncertain significance for Primary ciliary dyskinesia. Last evaluated: 2021-09-24. Review status: criteria provided, single submitter. Criteria: Invitae Variant Classification Sherloc (09022015). Collection method: clinical testing. Allele origin: germline.
Comment: This sequence change replaces glutamic acid with glutamine at codon 3700 of the DNAH11 protein (p.Glu3700Gln). The glutamic acid residue is highly conserved and there is a small physicochemical difference between glutamic acid and glutamine. This variant is present in population databases (rs768652615, ExAC 0.01%). This variant has not been reported in the literature in individuals with DNAH11-related conditions. Advanced modeling of protein sequence and biophysical properties (such as structural, functional, and spatial information, amino acid conservation, physicochemical variation, residue mobility, and thermodynamic stability) performed at Invitae indicates that this missense variant is not expected to disrupt DNAH11 protein function. In summary, the available evidence is currently insufficient to determine the role of this variant in disease. Therefore, it has been classified as a Variant of Uncertain Significance.